The following is an entry in ClinVar:

ClinVar aggregate classification (germline): Likely pathogenic (1 of 4 stars; one submission).

Conditions:
Marfan Syndrome/Loeys-Dietz Syndrome/Familial Thoracic Aortic Aneurysms and Dissections. Identifiers: MedGen CN229799.

Submission:

Women's Health and Genetics/Laboratory Corporation of America, LabCorp
Classification: Likely pathogenic for Marfan Syndrome/Loeys-Dietz Syndrome/Familial Thoracic Aortic Aneurysms and Dissections. Last evaluated: 2022-08-29. Review status: criteria provided, single submitter. Criteria: LabCorp Variant Classification Summary - May 2015. Collection method: clinical testing. Allele origin: germline.
Comment: Variant summary: FBN1 c.5021G>C (p.Cys1674Ser) results in a non-conservative amino acid change located in the EGF-like domain (IPR000742) of the encoded protein sequence and affects a cysteine residue. The sulfhydryl group of cysteine is unique in its ability to participate in disulfide covalent cross-linkage. Two-thirds of fibrillin cysteine residues exist in the half-cystinyl form, suggesting their participation in intramolecular disulfide linkage (Dietz_1992). Therefore, the substitution of a cysteine may disrupt the structure of the FBN1 protein, affecting its function. Furthermore, missense mutations affecting or creating cysteine residues are listed among the criteria for a causal FBN1 mutation when identified as de novo (with proven paternity) in the revised Ghent criteria for the diagnosis of Marfan and related conditions (Loeys 2010). Five of five in-silico tools predict a damaging effect of the variant on protein function. The variant was absent in 251120 control chromosomes (gnomAD). To our knowledge, no occurrence of c.5021G>C in individuals affected with Marfan Syndrome and no experimental evidence demonstrating its impact on protein function have been reported. Other variants affecting the Cys1674 residue have been cited in ClinVar and HGMD as pathogenic and disease-associated. No clinical diagnostic laboratories have submitted clinical-significance assessments for this variant to ClinVar after 2014. Based on the evidence outlined above, the variant was classified as likely pathogenic.

Literature cited by the submitters: PubMed 1301946; PubMed 20591885.

NM_000138.5(FBN1):c.5021G>C (p.Cys1674Ser)

Gene: FBN1 (fibrillin 1; minus strand). Cytogenetic location: 15q21.1.
Variant type: single nucleotide variant.
Coding change: c.5021G>C on transcript NM_000138.5 (MANE Select); coding-DNA position 5021, G replaced by C.
Protein change: p.Cys1674Ser; replaces cysteine 1674 with serine.
Molecular consequence: missense variant.
Genome position (GRCh38, 1-based): chr15:48,463,943, C>G on the plus strand (G>C on the coding strand, the complement: FBN1 is on the minus strand). VCF-style: chr15-48463943-C-G. GRCh37 (hg19) VCF-style: chr15-48756140-C-G.
Other names: c.5021G>C, p.Cys1674Ser (NM_001406716.1); short protein forms C1674S.
Identifiers: ClinVar variation 1705230 (VCV001705230.1), dbSNP rs794728233, ClinGen allele CA392349889.